The following is an entry in ClinVar:

NM_020376.4(PNPLA2):c.*248A>G

Gene: PNPLA2 (patatin like domain 2, triacylglycerol lipase; plus strand). Cytogenetic location: 11p15.5.
Variant type: single nucleotide variant.
Coding change: c.*248A>G on transcript NM_020376.4 (MANE Select); 248 bases downstream of the stop codon, A replaced by G.
Molecular consequence: 3 prime UTR variant.
Genome position (GRCh38, 1-based): chr11:825,110, A>G. VCF-style: chr11-825110-A-G. GRCh37 (hg19) VCF-style: chr11-825110-A-G.
Identifiers: ClinVar variation 306310 (VCV000306310.9), dbSNP rs1138714, ClinGen allele CA10639549.

ClinVar aggregate classification (germline): Benign. Review status: criteria provided, multiple submitters, no conflicts (2 of 4 stars). 3 submissions from 3 submitters: Benign (3). Last evaluated 2018-06-28.

Conditions:
Neutral lipid storage myopathy (NLSDM). Also called: NEUTRAL LIPID STORAGE DISEASE WITHOUT ICHTHYOSIS. Identifiers: Orphanet 98908, MedGen C1853136, MONDO:0012545, OMIM 610717.

Allele frequency attached by ClinVar (database versions not stated): 1000 Genomes Project 0.34225; 1000 Genomes Project 30x 0.34588; TOPMed 0.45385; gnomAD 0.46348 and 0.47064; gnomAD exomes 0.50053.

Submissions (3):

GeneDx
Classification: Benign. Last evaluated: 2018-06-28. Review status: criteria provided, single submitter. Criteria: GeneDx Variant Classification Process June 2021. Collection method: clinical testing. Allele origin: germline. Affected: yes.

Illumina Laboratory Services, Illumina
Classification: Benign for Neutral lipid storage myopathy. Last evaluated: 2018-01-13. Review status: criteria provided, single submitter. Criteria: ICSL Variant Classification Criteria 13 December 2019. Collection method: clinical testing. Allele origin: germline.
Comment: This variant was observed in the ICSL laboratory as part of a predisposition screen in an ostensibly healthy population. It had not been previously curated by ICSL or reported in the Human Gene Mutation Database (HGMD: prior to June 1st, 2018), and was therefore a candidate for classification through an automated scoring system. Utilizing variant allele frequency, disease prevalence and penetrance estimates, and inheritance mode, an automated score was calculated to assess if this variant is too frequent to cause the disease. Based on the score and internal cut-off values, a variant classified as benign is not then subjected to further curation. The score for this variant resulted in a classification of benign for this disease.

Breakthrough Genomics
Classification: Benign. Review status: criteria provided, single submitter. Criteria: ACMG Guidelines, 2015. Collection method: not provided. Allele origin: germline. Inheritance: Autosomal recessive inheritance. Affected: yes.